The following is an entry in ClinVar:

ClinVar aggregate classification (germline): Uncertain significance. Review status: criteria provided, multiple submitters, no conflicts (2 of 4 stars). 2 submissions from 2 submitters: Uncertain significance (2). Last evaluated 2026-08-06.

Conditions:
Congenital hyperammonemia, type I. Also called: CPS I DEFICIENCY; Carbamoyl phosphate synthetase 1 deficiency; Hyperammonemia due to carbamoyl phosphate synthetase 1 deficiency; CPS 1 deficiency; Carbamyl phosphate synthetase (CPS) deficiency; Carbamoyl phosphate synthetase I deficiency disease. Identifiers: Orphanet 147, MedGen C4082171, MONDO:0009376, OMIM 237300.
Pulmonary hypertension, neonatal, susceptibility to (PHN). Identifiers: MedGen C3714958, MONDO:0014151, OMIM 615371.

Allele frequency attached by ClinVar (database versions not stated): gnomAD exomes below 0.00001; gnomAD 0.00001; TOPMed 0.00002.

Submissions (2):

OLLIN Analises Genomicas, OLLIN
Classification: Uncertain significance for Pulmonary hypertension, neonatal, susceptibility to. Last evaluated: 2026-08-06. Review status: criteria provided, single submitter. Criteria: ACMG Guidelines 2015 PMID 25741868. Collection method: clinical testing. Allele origin: germline.
Comment: This missense variant, located in exon 3 (of 38), has been reported in ClinVar (accession VCV002147015.1) and in gnomAD with an allele frequency of 0.0005%. However, to our knowledge, it has not been reported in the scientific literature. In silico analysis predicts that this variant has a deleterious effect. This gene is constrained for missense variation. According to the currently available evidence, this variant has been classified as uncertain significance (PM2_P, PP2, PP3_M).

Labcorp Genetics (formerly Invitae), Labcorp
Classification: Uncertain significance for Congenital hyperammonemia, type I. Last evaluated: 2022-07-04. Review status: criteria provided, single submitter. Criteria: Invitae Variant Classification Sherloc (09022015). Collection method: clinical testing. Allele origin: germline.
Comment: This sequence change replaces glycine, which is neutral and non-polar, with glutamic acid, which is acidic and polar, at codon 116 of the CPS1 protein (p.Gly116Glu). This variant is present in population databases (no rsID available, gnomAD 0.002%). This variant has not been reported in the literature in individuals affected with CPS1-related conditions. Algorithms developed to predict the effect of missense changes on protein structure and function are either unavailable or do not agree on the potential impact of this missense change (SIFT: "Deleterious"; PolyPhen-2: "Probably Damaging"; Align-GVGD: "Class C0"). In summary, the available evidence is currently insufficient to determine the role of this variant in disease. Therefore, it has been classified as a Variant of Uncertain Significance.

NM_001875.5(CPS1):c.347G>A (p.Gly116Glu)

Gene: CPS1 (carbamoyl-phosphate synthase 1; plus strand). Cytogenetic location: 2q34.
Variant type: single nucleotide variant.
Coding change: c.347G>A on transcript NM_001875.5 (MANE Select); coding-DNA position 347, G replaced by A.
Protein change: p.Gly116Glu; replaces glycine 116 with glutamic acid.
Molecular consequence: missense variant. On other transcripts: non-coding transcript variant (1).
Genome position (GRCh38, 1-based): chr2:210,576,456, G>A. VCF-style: chr2-210576456-G-A. GRCh37 (hg19) VCF-style: chr2-211441180-G-A.
Other names: c.347G>A, p.Gly116Glu (NM_001122633.3, NM_001369257.1); c.380G>A, p.Gly127Glu (NM_001369256.1); short protein forms G116E, G127E.
Identifiers: ClinVar variation 2147015 (VCV002147015.2), dbSNP rs908679652, ClinGen allele CA64727727.